The following is an entry in ClinVar:

ClinVar aggregate classification (germline): Likely benign. Review status: criteria provided, multiple submitters, no conflicts (2 of 4 stars). 4 submissions from 4 submitters: Likely benign (4). Last evaluated 2025-11-05.

Conditions:
Cardiovascular phenotype. Identifiers: MedGen CN230736.

Allele frequency attached by ClinVar (database versions not stated): TOPMed 0.00003; gnomAD 0.00004 and 0.00005; gnomAD exomes 0.00004 and 0.00005.
gnomAD v4.1: 62 of 1,549,616 alleles (0.004%); highest among the groups gnomAD compares: Middle Eastern, 0.017%; 1 homozygote.

Submissions (4):

Labcorp Genetics (formerly Invitae), Labcorp
Classification: Likely benign. Last evaluated: 2025-11-05. Review status: criteria provided, single submitter. Criteria: Invitae Variant Classification Sherloc (09022015). Collection method: clinical testing. Allele origin: germline.

Blueprint Genetics
Classification: Likely benign. Last evaluated: 2024-10-31. Review status: criteria provided, single submitter. Criteria: ACMG Guidelines, 2015. Collection method: clinical testing. Allele origin: germline.

Ambry Genetics
Classification: Likely benign for Cardiovascular phenotype. Last evaluated: 2019-08-12. Review status: criteria provided, single submitter. Criteria: Ambry Variant Classification Scheme 2023. Collection method: clinical testing. Allele origin: germline.

GeneDx
Classification: Likely benign. Last evaluated: 2018-02-22. Review status: criteria provided, single submitter. Criteria: GeneDx Variant Classification (06012015). Collection method: clinical testing. Allele origin: germline. Affected: yes.
Comment: This variant is considered likely benign or benign based on one or more of the following criteria: it is a conservative change, it occurs at a poorly conserved position in the protein, it is predicted to be benign by multiple in silico algorithms, and/or has population frequency not consistent with disease.

NM_001367624.2(ZNF469):c.6984G>A (p.Ser2328=)

Gene: ZNF469 (zinc finger protein 469; plus strand). Cytogenetic location: 16q24.2.
Variant type: single nucleotide variant.
Coding change: c.6984G>A on transcript NM_001367624.2 (MANE Select); coding-DNA position 6984, G replaced by A.
Protein change: p.Ser2328=; no amino-acid change (serine 2328 retained).
Molecular consequence: synonymous variant.
Genome position (GRCh38, 1-based): chr16:88,434,454, G>A. VCF-style: chr16-88434454-G-A. GRCh37 (hg19) VCF-style: chr16-88500862-G-A.
Other names: NM_001127464.1:c.6900G>A.
Identifiers: ClinVar variation 515642 (VCV000515642.8), dbSNP rs764025593, ClinGen allele CA286382217.
Genomic context (GRCh38, chr16:88,434,454, plus strand): 5'-CCAGAGCAGGGGAGCCCCGCCCCACACCAACCCTGACAGGATGCCCAGGGGCCACTCCTC[G>A]TATTCTCCAAGCAATACTGCCCGCCTCGGCCACAGGGAGGGCCAGGCTGTCACAGCTGTG-3'
Protein context (NP_001354553.1, residues 2318-2338): NPDRMPRGHS[Ser2328=]YSPSNTARLG